The following is an entry in ClinVar:

NM_170707.4(LMNA):c.163G>T (p.Glu55Ter)

Gene: LMNA (lamin A/C; plus strand). Cytogenetic location: 1q22.
Variant type: single nucleotide variant.
Coding change: c.163G>T on transcript NM_170707.4 (MANE Select); coding-DNA position 163, G replaced by T.
Protein change: p.Glu55Ter; replaces glutamic acid 55 with a stop codon.
Molecular consequence: nonsense.
Genome position (GRCh38, 1-based): chr1:156,115,081, G>T. VCF-style: chr1-156115081-G-T. GRCh37 (hg19) VCF-style: chr1-156084872-G-T.
Other names: c.163G>T, p.Glu55Ter (NM_001282625.2, NM_001282626.2, NM_005572.4 and 1 more transcripts); short protein forms E55*.
Identifiers: ClinVar variation 941416 (VCV000941416.7), dbSNP rs1649719689, ClinGen allele CA342808052.

ClinVar aggregate classification (germline): Pathogenic (1 of 4 stars; one submission).

Conditions:
Charcot-Marie-Tooth disease type 2. Also called: Charcot-Marie-Tooth type 2. Identifiers: Orphanet 64746, MedGen C0270914, MONDO:0018993.

Submission:

Labcorp Genetics (formerly Invitae), Labcorp
Classification: Pathogenic for Charcot-Marie-Tooth disease type 2. Last evaluated: 2022-11-08. Review status: criteria provided, single submitter. Criteria: Invitae Variant Classification Sherloc (09022015). Collection method: clinical testing. Allele origin: germline.
Comment: This sequence change creates a premature translational stop signal (p.Glu55*) in the LMNA gene. It is expected to result in an absent or disrupted protein product. Loss-of-function variants in LMNA are known to be pathogenic (PMID: 18585512, 18926329). This variant is not present in population databases (gnomAD no frequency). This variant has not been reported in the literature in individuals affected with LMNA-related conditions. ClinVar contains an entry for this variant (Variation ID: 941416). For these reasons, this variant has been classified as Pathogenic.

Literature cited by the submitters: PubMed 18585512; PubMed 18926329.